The following is an entry in ClinVar:

ClinVar aggregate classification (germline): Uncertain significance (1 of 4 stars; one submission).

Conditions:
Hereditary cancer-predisposing syndrome. Also called: Neoplastic Syndromes, Hereditary; Tumor predisposition; Hereditary Cancer Syndrome; Hereditary neoplastic syndrome. Identifiers: Orphanet 140162, MedGen C0027672, MeSH D009386, MONDO:0015356.

Submission:

Color Diagnostics, LLC DBA Color Health
Classification: Uncertain significance for Hereditary cancer-predisposing syndrome. Last evaluated: 2024-03-06. Review status: criteria provided, single submitter. Criteria: ACMG Guidelines, 2015. Collection method: clinical testing. Allele origin: germline.
Comment: This missense variant replaces glutamic acid with glutamine at codon 193 of the SMAD4 protein. Computational prediction suggests that this variant may not impact protein structure and function (internally defined REVEL score threshold <= 0.5, PMID: 27666373). To our knowledge, functional studies have not been reported for this variant. This variant has not been reported in individuals affected with hereditary cancer in the literature. This variant has not been identified in the general population by the Genome Aggregation Database (gnomAD). The available evidence is insufficient to determine the role of this variant in disease conclusively. Therefore, this variant is classified as a Variant of Uncertain Significance.

NM_005359.6(SMAD4):c.577G>C (p.Glu193Gln)

Gene: SMAD4 (SMAD family member 4; plus strand). Cytogenetic location: 18q21.2.
Variant type: single nucleotide variant.
Coding change: c.577G>C on transcript NM_005359.6 (MANE Select); coding-DNA position 577, G replaced by C.
Protein change: p.Glu193Gln; replaces glutamic acid 193 with glutamine.
Molecular consequence: missense variant. On other transcripts: non-coding transcript variant (2).
Genome position (GRCh38, 1-based): chr18:51,054,903, G>C. VCF-style: chr18-51054903-G-C. GRCh37 (hg19) VCF-style: chr18-48581273-G-C.
Other names: c.577G>C, p.Glu193Gln (NM_001407041.1, NM_001407042.1, NM_001407043.1); short protein forms E193Q.
Identifiers: ClinVar variation 2774522 (VCV002774522.2), dbSNP rs2144418936, ClinGen allele CA402461027.
Genomic context (GRCh38, chr18:51,054,903, plus strand): 5'-TCCACTGAAGGACATTCAATTCAAACCATCCAGCATCCACCAAGTAATCGTGCATCGACA[G>C]AGACATACAGCACCCCAGCTCTGTTAGCCCCATCTGAGTCTAATGCTACCAGCACTGCCA-3'
Protein context (NP_005350.1, residues 183-203): QHPPSNRAST[Glu193Gln]TYSTPALLAP